The following is an entry in ClinVar:

ClinVar aggregate classification (germline): Uncertain significance. Review status: criteria provided, multiple submitters, no conflicts (2 of 4 stars). 2 submissions from 2 submitters: Uncertain significance (2). Last evaluated 2024-09-23.

Conditions:
Inborn genetic diseases. Identifiers: MedGen C0950123, MeSH D030342.

gnomAD v4.1: 19 of 1,606,562 alleles (0.0012%); highest among the groups gnomAD compares: Non-Finnish European, 0.0014%; no homozygotes.

Submissions (2):

Ambry Genetics
Classification: Uncertain significance for Inborn genetic diseases. Last evaluated: 2024-09-23. Review status: criteria provided, single submitter. Criteria: Ambry Variant Classification Scheme 2023. Collection method: clinical testing. Allele origin: germline.
Comment: The p.I450F variant (also known as c.1348A>T), located in coding exon 10 of the CDH2 gene, results from an A to T substitution at nucleotide position 1348. The isoleucine at codon 450 is replaced by phenylalanine, an amino acid with highly similar properties. This amino acid position is conserved. In addition, the in silico prediction for this alteration is inconclusive. Based on the available evidence, the clinical significance of this variant remains unclear.

Labcorp Genetics (formerly Invitae), Labcorp
Classification: Uncertain significance. Last evaluated: 2023-01-16. Review status: criteria provided, single submitter. Criteria: Invitae Variant Classification Sherloc (09022015). Collection method: clinical testing. Allele origin: germline.
Comment: This variant has not been reported in the literature in individuals affected with CDH2-related conditions. In summary, the available evidence is currently insufficient to determine the role of this variant in disease. Therefore, it has been classified as a Variant of Uncertain Significance. Algorithms developed to predict the effect of missense changes on protein structure and function are either unavailable or do not agree on the potential impact of this missense change (SIFT: "Deleterious"; PolyPhen-2: "Possibly Damaging"; Align-GVGD: "Class C15"). This variant is not present in population databases (gnomAD no frequency). This sequence change replaces isoleucine, which is neutral and non-polar, with phenylalanine, which is neutral and non-polar, at codon 450 of the CDH2 protein (p.Ile450Phe).

NM_001792.5(CDH2):c.1348A>T (p.Ile450Phe)

Gene: CDH2 (cadherin 2; minus strand). Cytogenetic location: 18q12.1.
Variant type: single nucleotide variant.
Coding change: c.1348A>T on transcript NM_001792.5 (MANE Select); coding-DNA position 1348, A replaced by T.
Protein change: p.Ile450Phe; replaces isoleucine 450 with phenylalanine.
Molecular consequence: missense variant.
Genome position (GRCh38, 1-based): chr18:27,990,347, T>A on the plus strand (A>T on the coding strand, the complement: CDH2 is on the minus strand). VCF-style: chr18-27990347-T-A. GRCh37 (hg19) VCF-style: chr18-25570311-T-A.
Other names: c.1348A>T (NM_001792.3); c.1255A>T, p.Ile419Phe (NM_001308176.2); short protein forms I419F, I450F.
Identifiers: ClinVar variation 2867521 (VCV002867521.4), dbSNP rs200762335, ClinGen allele CA297684390.